The following is an entry in ClinVar:

NM_153460.4(IL17RC):c.962C>G (p.Ser321Trp)

Gene: IL17RC (interleukin 17 receptor C; plus strand). Cytogenetic location: 3p25.3.
Variant type: single nucleotide variant.
Coding change: c.962C>G on transcript NM_153460.4 (MANE Select); coding-DNA position 962, C replaced by G.
Protein change: p.Ser321Trp; replaces serine 321 with tryptophan.
Molecular consequence: missense variant. On other transcripts: non-coding transcript variant (1).
Genome position (GRCh38, 1-based): chr3:9,928,389, C>G. VCF-style: chr3-9928389-C-G. GRCh37 (hg19) VCF-style: chr3-9970073-C-G.
Other names: c.962C>G, p.Ser321Trp (NM_001203263.2, NM_001203264.2); c.917C>G, p.Ser306Trp (NM_001203265.2, NM_001367280.1, NM_032732.6); c.923C>G, p.Ser308Trp (NM_001367278.1); c.842C>G, p.Ser281Trp (NM_001367279.1); c.1175C>G, p.Ser392Trp (NM_153461.4); short protein forms S306W, S321W, S281W, S308W, S392W.
Identifiers: ClinVar variation 645924 (VCV000645924.9), dbSNP rs141178913, ClinGen allele CA2247083.
Genomic context (GRCh38, chr3:9,928,389, plus strand): 5'-GGCAAGCCGCCCGACTGCAACTGCTGACCCTGCAGAGCTGGCTGCTGGACGCACCGTGCT[C>G]GCTGCCCGCAGAAGCGGCACTGTGCTGGCGGGCTCCGGGTGGGGACCCCTGCCAGCCACT-3'
Protein context (NP_703190.2, residues 311-331): LQSWLLDAPC[Ser321Trp]LPAEAALCWR

ClinVar aggregate classification (germline): Uncertain significance (1 of 4 stars; one submission).

Conditions:
Candidiasis, familial, 9 (CANDF9). Identifiers: Orphanet 1334, MedGen C4225324, MONDO:0014642, OMIM 616445.

Allele frequency attached by ClinVar (database versions not stated): ESP Exome Variant Server 0.00015; 1000 Genomes Project 30x 0.00016; TOPMed 0.00026.
gnomAD v4.1: 402 of 1,604,878 alleles (0.025%); highest among the groups gnomAD compares: Middle Eastern, 0.033%; no homozygotes.

Submission:

Labcorp Genetics (formerly Invitae), Labcorp
Classification: Uncertain significance for Candidiasis, familial, 9. Last evaluated: 2025-10-26. Review status: criteria provided, single submitter. Criteria: Invitae Variant Classification Sherloc (09022015). Collection method: clinical testing. Allele origin: germline.
Comment: This sequence change replaces serine, which is neutral and polar, with tryptophan, which is neutral and slightly polar, at codon 392 of the IL17RC protein (p.Ser392Trp). This variant is present in population databases (rs141178913, gnomAD 0.04%). This variant has not been reported in the literature in individuals affected with IL17RC-related conditions. ClinVar contains an entry for this variant (Variation ID: 645924). An algorithm developed to predict the effect of missense changes on protein structure and function outputs the following: PolyPhen-2: "Benign". The tryptophan amino acid residue is found in multiple mammalian species, which suggests that this missense change does not adversely affect protein function. In summary, the available evidence is currently insufficient to determine the role of this variant in disease. Therefore, it has been classified as a Variant of Uncertain Significance.